The following is an entry in ClinVar:

ClinVar aggregate classification (germline): Uncertain significance (1 of 4 stars; one submission).

gnomAD v4.1: 2,202 of 1,609,492 alleles (0.14%); highest among the groups gnomAD compares: Non-Finnish European, 0.17%; 3 homozygotes.

Submission:

Mayo Clinic Laboratories, Mayo Clinic
Classification: Uncertain significance. Last evaluated: 2024-11-14. Review status: criteria provided, single submitter. Criteria: ACMG Guidelines, 2015. Collection method: clinical testing. Allele origin: germline. Observed: 4 variant alleles.
Comment: BP4

Literature cited by the submitters: PubMed 32327693.

NM_002197.3(ACO1):c.85G>T (p.Asp29Tyr)

Gene: ACO1 (aconitase 1; plus strand). Cytogenetic location: 9p21.1.
Variant type: single nucleotide variant.
Coding change: c.85G>T on transcript NM_002197.3 (MANE Select); coding-DNA position 85, G replaced by T.
Protein change: p.Asp29Tyr; replaces aspartic acid 29 with tyrosine.
Molecular consequence: missense variant.
Genome position (GRCh38, 1-based): chr9:32,405,591, G>T. VCF-style: chr9-32405591-G-T. GRCh37 (hg19) VCF-style: chr9-32405589-G-T.
Other names: p.Asp29Tyr; c.85G>T, p.Asp29Tyr (NM_001278352.2, NM_001362840.2); short protein forms D29Y.
Identifiers: ClinVar variation 3379852 (VCV003379852.2).